The following is an entry in ClinVar:

NM_020975.6(RET):c.1880-13C>T

Gene: RET (ret proto-oncogene; plus strand). Cytogenetic location: 10q11.21.
Variant type: single nucleotide variant.
Coding change: c.1880-13C>T on transcript NM_020975.6 (MANE Select); 13 bases into the intron before coding-DNA position 1880, C replaced by T.
Molecular consequence: intron variant.
Genome position (GRCh38, 1-based): chr10:43,114,467, C>T. VCF-style: chr10-43114467-C-T. GRCh37 (hg19) VCF-style: chr10-43609915-C-T.
Other names: c.1880-13C>T (NM_020630.7, NM_001406743.1, NM_001406744.1 and 2 more transcripts); c.1880-148C>T (NM_001406765.1, NM_001406763.1); c.1484-13C>T (NM_001406772.1, NM_001406769.1); c.1442-13C>T (NM_001406773.1, NM_001406771.1); c.983-13C>T (NM_001406782.1, NM_001406780.1, NM_001406779.1 and 1 more transcripts); c.983-148C>T (NM_001406787.1); c.863-13C>T (NM_001406785.1); c.1751-13C>T (NM_001406764.1, NM_001406762.1, NM_001406761.1); and 10 more.
Identifiers: ClinVar variation 1621928 (VCV001621928.10), dbSNP rs948277023, ClinGen allele CA593289982.

ClinVar aggregate classification (germline): Likely benign. Review status: criteria provided, multiple submitters, no conflicts (2 of 4 stars). 2 submissions from 2 submitters: Likely benign (2). Last evaluated 2025-10-22.

Conditions:
Multiple endocrine neoplasia, type 2 (MEN2). Identifiers: Orphanet 653, MedGen C4048306, MONDO:0019003. Disease mechanism: gain of function.
Multiple endocrine neoplasia type 2A. Also called: Multiple Endocrine Neoplasia Type 2A (MEN2A); MULTIPLE ENDOCRINE NEOPLASIA, TYPE IIA; PTC SYNDROME; SIPPLE SYNDROME; MEN 2A; MEN-2A syndrome. Identifiers: Orphanet 247698, Orphanet 653, MedGen C0025268, MeSH D018813, MONDO:0008234, OMIM 171400.

gnomAD v4.1: 2 of 1,605,246 alleles (0.00012%); highest among the groups gnomAD compares: Non-Finnish European, 0.00017%; no homozygotes.

Submissions (2):

Labcorp Genetics (formerly Invitae), Labcorp
Classification: Likely benign for Multiple endocrine neoplasia, type 2. Last evaluated: 2025-10-22. Review status: criteria provided, single submitter. Criteria: Invitae Variant Classification Sherloc (09022015). Collection method: clinical testing. Allele origin: germline.

Myriad Genetics, Inc.
Classification: Likely benign for Multiple endocrine neoplasia type 2A. Last evaluated: 2025-02-26. Review status: criteria provided, single submitter. Criteria: Myriad Autosomal Dominant, Autosomal Recessive and X-Linked Classification Criteria (2023). Collection method: clinical testing. Allele origin: unknown.
Comment: This variant is considered likely benign. This variant is intronic and is not expected to impact mRNA splicing.